The following is an entry in ClinVar:

NM_003906.5(MCM3AP):c.1522A>G (p.Ser508Gly)

Gene: MCM3AP (minichromosome maintenance complex component 3 associated protein; minus strand). Cytogenetic location: 21q22.3.
Variant type: single nucleotide variant.
Coding change: c.1522A>G on transcript NM_003906.5 (MANE Select); coding-DNA position 1522, A replaced by G.
Protein change: p.Ser508Gly; replaces serine 508 with glycine.
Molecular consequence: missense variant.
Genome position (GRCh38, 1-based): chr21:46,280,497, T>C on the plus strand (A>G on the coding strand, the complement: MCM3AP is on the minus strand). VCF-style: chr21-46280497-T-C. GRCh37 (hg19) VCF-style: chr21-47700411-T-C.
Other names: short protein forms S508G.
Identifiers: ClinVar variation 1355109 (VCV001355109.3), dbSNP rs777841301, ClinGen allele CA10077071.
Genomic context (GRCh38, chr21:46,280,497, plus strand): 5'-CTCTATAAAATAAATAAAAATAATTTTTTTAAAAAGTGAAAAGAATAATTGAAAACTCAC[T>C]TATTTTCTTCCTGTGCCAAAAGATAGCCATGTCTTTATGCAAACTTTTCCCCTTCTTTCT-3'
Protein context (NP_003897.2, residues 498-518): MAIFWHRKKI[Ser508Gly]PNKKPFSLKE

ClinVar aggregate classification (germline): Uncertain significance (1 of 4 stars; one submission).

Allele frequency attached by ClinVar (database versions not stated): gnomAD 0.00001; gnomAD exomes 0.00001 and 0.00002; TOPMed 0.00001; ExAC 0.00002.
gnomAD v4.1: 6 of 1,600,982 alleles (0.00037%); highest among the groups gnomAD compares: Admixed American, 0.01%; no homozygotes.

Submission:

Labcorp Genetics (formerly Invitae), Labcorp
Classification: Uncertain significance. Last evaluated: 2022-04-11. Review status: criteria provided, single submitter. Criteria: Invitae Variant Classification Sherloc (09022015). Collection method: clinical testing. Allele origin: germline.
Comment: This sequence change replaces serine, which is neutral and polar, with glycine, which is neutral and non-polar, at codon 508 of the MCM3AP protein (p.Ser508Gly). This variant is present in population databases (rs777841301, gnomAD 0.02%). This variant has not been reported in the literature in individuals affected with MCM3AP-related conditions. Algorithms developed to predict the effect of missense changes on protein structure and function (SIFT, PolyPhen-2, Align-GVGD) all suggest that this variant is likely to be disruptive. Algorithms developed to predict the effect of sequence changes on RNA splicing suggest that this variant may create or strengthen a splice site. In summary, the available evidence is currently insufficient to determine the role of this variant in disease. Therefore, it has been classified as a Variant of Uncertain Significance.